The following is an entry in ClinVar:

ClinVar aggregate classification (germline): Likely benign. Review status: criteria provided, multiple submitters, no conflicts (2 of 4 stars). 4 submissions from 4 submitters: Likely benign (4). Last evaluated 2025-04-08.

Conditions:
Charcot-Marie-Tooth disease axonal type 2C (HMSN2C). Also called: CHARCOT-MARIE-TOOTH DISEASE, AXONAL, AUTOSOMAL DOMINANT, TYPE 2C; Charcot-Marie-Tooth Neuropathy Type 2C; Charcot-Marie-Tooth Disease Type 2, TRPV4-Related (CMT2C). Identifiers: Orphanet 99937, MedGen C1853710, MONDO:0011633, OMIM 606071.
Inborn genetic diseases. Identifiers: MedGen C0950123, MeSH D030342.

Allele frequency attached by ClinVar (database versions not stated): gnomAD 0.00001; TOPMed 0.00002.
gnomAD v4.1: 17 of 1,543,524 alleles (0.0011%); highest among the groups gnomAD compares: African/African-American, 0.0014%; no homozygotes.

Submissions (4):

Labcorp Genetics (formerly Invitae), Labcorp
Classification: Likely benign for Charcot-Marie-Tooth disease axonal type 2C. Last evaluated: 2025-04-08. Review status: criteria provided, single submitter. Criteria: Invitae Variant Classification Sherloc (09022015). Collection method: clinical testing. Allele origin: germline.

Blueprint Genetics
Classification: Likely benign. Last evaluated: 2023-02-13. Review status: criteria provided, single submitter. Criteria: ACMG Guidelines, 2015. Collection method: clinical testing. Allele origin: germline.

Ambry Genetics
Classification: Likely benign for Inborn genetic diseases. Last evaluated: 2019-07-11. Review status: criteria provided, single submitter. Criteria: Ambry Variant Classification Scheme 2023. Collection method: clinical testing. Allele origin: germline.

GeneDx
Classification: Likely benign. Last evaluated: 2017-08-17. Review status: criteria provided, single submitter. Criteria: GeneDx Variant Classification (06012015). Collection method: clinical testing. Allele origin: germline. Affected: yes.
Comment: This variant is considered likely benign or benign based on one or more of the following criteria: it is a conservative change, it occurs at a poorly conserved position in the protein, it is predicted to be benign by multiple in silico algorithms, and/or has population frequency not consistent with disease.

NM_021625.5(TRPV4):c.15C>T (p.Ser5=)

Gene: TRPV4 (transient receptor potential cation channel subfamily V member 4; minus strand). Cytogenetic location: 12q24.11.
Variant type: single nucleotide variant.
Coding change: c.15C>T on transcript NM_021625.5 (MANE Select); coding-DNA position 15, C replaced by T.
Protein change: p.Ser5=; no amino-acid change (serine 5 retained).
Molecular consequence: synonymous variant.
Genome position (GRCh38, 1-based): chr12:109,814,782, G>A on the plus strand (C>T on the coding strand, the complement: TRPV4 is on the minus strand). VCF-style: chr12-109814782-G-A. GRCh37 (hg19) VCF-style: chr12-110252587-G-A.
Other names: c.15C>T, p.Ser5= (NM_001177428.2, NM_001177431.2, NM_001177433.2 and 1 more transcripts).
Identifiers: ClinVar variation 511553 (VCV000511553.12), dbSNP rs751824781, ClinGen allele CA243479206.